The following is an entry in ClinVar:

NM_001372044.2(SHANK3):c.3901G>A (p.Gly1301Arg)

Gene: SHANK3 (SH3 and multiple ankyrin repeat domains 3; plus strand). Cytogenetic location: 22q13.33.
Variant type: single nucleotide variant.
Coding change: c.3901G>A on transcript NM_001372044.2 (MANE Select); coding-DNA position 3901, G replaced by A.
Protein change: p.Gly1301Arg; replaces glycine 1301 with arginine.
Molecular consequence: missense variant.
Genome position (GRCh38, 1-based): chr22:50,721,509, G>A. VCF-style: chr22-50721509-G-A. GRCh37 (hg19) VCF-style: chr22-51159937-G-A.
Other names: c.3676G>A (NM_033517.1); short protein forms G1301R.
Identifiers: ClinVar variation 4864486 (VCV004864486.1).

ClinVar aggregate classification (germline): Uncertain significance (1 of 4 stars; one submission).

Conditions:
Inborn genetic diseases. Identifiers: MedGen C0950123, MeSH D030342.

Submission:

Ambry Genetics
Classification: Uncertain significance for Inborn genetic diseases. Last evaluated: 2026-03-23. Review status: criteria provided, single submitter. Criteria: Ambry Variant Classification Scheme 2023. Collection method: clinical testing. Allele origin: germline.
Comment: The c.3676G>A (p.G1226R) alteration is located in exon 21 (coding exon 21) of the SHANK3 gene. This alteration results from a G to A substitution at nucleotide position 3676, causing the glycine (G) at amino acid position 1226 to be replaced by an arginine (R). Based on data from gnomAD, the A allele has an overall frequency of 0.003% (1/31322) total alleles studied. The highest observed frequency was 0.012% (1/8684) of African alleles. Based on insufficient or conflicting evidence, the clinical significance of this alteration remains unclear.